The following is an entry in ClinVar:

ClinVar aggregate classification (germline): Pathogenic (1 of 4 stars; one submission).

Conditions:
Inborn genetic diseases. Identifiers: MedGen C0950123, MeSH D030342.

Submission:

Ambry Genetics
Classification: Pathogenic for Inborn genetic diseases. Last evaluated: 2025-10-06. Review status: criteria provided, single submitter. Criteria: Ambry Variant Classification Scheme 2023. Collection method: clinical testing. Allele origin: germline.
Comment: The c.366delT (p.Q123Sfs*37) alteration, located in exon 5 (coding exon 2) of the TAB2 gene, consists of a deletion of one nucleotide at position 366, causing a translational frameshift with a predicted alternate stop codon after 37 amino acids. This alteration is expected to result in loss of function by premature protein truncation or nonsense-mediated mRNA decay. This variant was not reported in population-based cohorts in the Genome Aggregation Database (gnomAD). Based on the available evidence, this alteration is classified as pathogenic.

NM_001292034.3(TAB2):c.366del (p.Gln123fs)

Gene: TAB2 (TGF-beta activated kinase 1 (MAP3K7) binding protein 2; plus strand). Cytogenetic location: 6q25.1.
Variant type: Deletion.
Coding change: c.366del on transcript NM_001292034.3 (MANE Select); coding-DNA position 366, one base deleted (T; older notation c.366delT).
Protein change: p.Gln123fs; shifts the reading frame from glutamine 123.
Molecular consequence: frameshift variant.
Genome position (GRCh38, 1-based): chr6:149,378,281, T deleted; the last of 3 consecutive T bases (chr6:149,378,279-149,378,281); deleting any one gives the same sequence. VCF-style (leftmost placement, unchanged base first): chr6-149378278-AT-A. GRCh37 (hg19) VCF-style: chr6-149699414-AT-A.
Other names: c.270del, p.Gln91fs (NM_001292035.3); c.366del, p.Gln123fs (NM_001369506.1, NM_015093.6); short protein forms Q91fs, Q123fs.
Identifiers: ClinVar variation 4632541 (VCV004632541.1).